The following is an entry in ClinVar:

NM_001130438.3(SPTAN1):c.108G>A (p.Arg36=)

Gene: SPTAN1 (spectrin alpha, non-erythrocytic 1; plus strand). Cytogenetic location: 9q34.11.
Variant type: single nucleotide variant.
Coding change: c.108G>A on transcript NM_001130438.3 (MANE Select); coding-DNA position 108, G replaced by A.
Protein change: p.Arg36=; no amino-acid change (arginine 36 retained).
Molecular consequence: synonymous variant.
Genome position (GRCh38, 1-based): chr9:128,566,848, G>A. VCF-style: chr9-128566848-G-A. GRCh37 (hg19) VCF-style: chr9-131329127-G-A.
Other names: c.108G>A, p.Arg36= (NM_001195532.2, NM_001363759.2, NM_001363765.2 and 1 more transcripts).
Identifiers: ClinVar variation 378645 (VCV000378645.14), dbSNP rs371017342, ClinGen allele CA5264105.

ClinVar aggregate classification (germline): Likely benign. Review status: criteria provided, multiple submitters, no conflicts (2 of 4 stars). 3 submissions from 3 submitters: Likely benign (3). Last evaluated 2026-01-19.

Conditions:
Inborn genetic diseases. Identifiers: MedGen C0950123, MeSH D030342.
Early-infantile DEE. Also called: Early infantile epileptic encephalopathy; Ohtahara syndrome; Early infantile epileptic encephalopathy with suppression bursts. Identifiers: Orphanet 1934, MedGen C0393706, MONDO:0800491.

Allele frequency attached by ClinVar (database versions not stated): gnomAD exomes 0.00001 and 0.00002; ExAC 0.00002; ESP Exome Variant Server 0.00015; gnomAD 0.00016 and 0.00017; TOPMed 0.00019.
gnomAD v4.1: 41 of 1,614,090 alleles (0.0025%); highest among the groups gnomAD compares: African/African-American, 0.044%; no homozygotes.

Submissions (3):

Labcorp Genetics (formerly Invitae), Labcorp
Classification: Likely benign for Early-infantile DEE. Last evaluated: 2026-01-19. Review status: criteria provided, single submitter. Criteria: Invitae Variant Classification Sherloc (09022015). Collection method: clinical testing. Allele origin: germline.

Ambry Genetics
Classification: Likely benign for Inborn genetic diseases. Last evaluated: 2018-08-17. Review status: criteria provided, single submitter. Criteria: Ambry Variant Classification Scheme 2023. Collection method: clinical testing. Allele origin: germline.

GeneDx
Classification: Likely benign. Last evaluated: 2016-05-10. Review status: criteria provided, single submitter. Criteria: GeneDx Variant Classification (06012015). Collection method: clinical testing. Allele origin: germline. Affected: yes.
Comment: This variant is considered likely benign or benign based on one or more of the following criteria: it is a conservative change, it occurs at a poorly conserved position in the protein, it is predicted to be benign by multiple in silico algorithms, and/or has population frequency not consistent with disease.